The following is an entry in ClinVar:

NM_001430.5(EPAS1):c.2131C>G (p.Gln711Glu)

Gene: EPAS1 (endothelial PAS domain protein 1; plus strand). Cytogenetic location: 2p21.
Variant type: single nucleotide variant.
Coding change: c.2131C>G on transcript NM_001430.5 (MANE Select); coding-DNA position 2131, C replaced by G.
Protein change: p.Gln711Glu; replaces glutamine 711 with glutamic acid.
Molecular consequence: missense variant.
Genome position (GRCh38, 1-based): chr2:46,381,681, C>G. VCF-style: chr2-46381681-C-G. GRCh37 (hg19) VCF-style: chr2-46608820-C-G.
Other names: short protein forms Q711E.
Identifiers: ClinVar variation 3508918 (VCV003508918.1).
Genomic context (GRCh38, chr2:46,381,681, plus strand): 5'-GGCCCAGACGTGCTGAGTCCGGCCATGGTAGCCCTCTCCAACAAGCTGAAGCTGAAGCGA[C>G]AGCTGGAGTATGAAGAGCAAGCCTTCCAGGACCTGAGCGGGGTGAGTCATCCCCACTGGC-3'
Protein context (NP_001421.2, residues 701-721): ALSNKLKLKR[Gln711Glu]LEYEEQAFQD

ClinVar aggregate classification (germline): Uncertain significance (1 of 4 stars; one submission).

Conditions:
Inborn genetic diseases. Identifiers: MedGen C0950123, MeSH D030342.

Submission:

Ambry Genetics
Classification: Uncertain significance for Inborn genetic diseases. Last evaluated: 2024-11-17. Review status: criteria provided, single submitter. Criteria: Ambry Variant Classification Scheme 2023. Collection method: clinical testing. Allele origin: germline.
Comment: The p.Q711E variant (also known as c.2131C>G), located in coding exon 13 of the EPAS1 gene, results from a C to G substitution at nucleotide position 2131. The glutamine at codon 711 is replaced by glutamic acid, an amino acid with highly similar properties. This amino acid position is conserved. In addition, this alteration is predicted to be tolerated by in silico analysis. Based on the available evidence, the clinical significance of this variant remains unclear.